The following is an entry in ClinVar:

ClinVar aggregate classification (germline): Uncertain significance (1 of 4 stars; one submission).

Submission:

Illumina Laboratory Services, Illumina
Classification: Uncertain significance. Last evaluated: 2022-09-07. Review status: criteria provided, single submitter. Criteria: ICSL CNVClassificationCriteria Aug2020. Collection method: clinical testing. Allele origin: unknown. Affected: yes.
Comment: The CACNA1I c.739A>G (p.Ile247Val) missense variant results in the substitution of isoleucine at amino acid position 247 with valine. To our knowledge, this variant has not been reported in the peer-reviewed literature. This variant is not found in version 2.1.1 or version 3.1.2 of the Genome Aggregation Database. Based on the available evidence, the c.739A>G (p.Ile247Val) variant is classified as a variant of uncertain significance for CACNA1I-related neurodevelopmental disorders.

NM_021096.4(CACNA1I):c.739A>G (p.Ile247Val)

Gene: CACNA1I (calcium voltage-gated channel subunit alpha1 I; plus strand). Cytogenetic location: 22q13.1.
Variant type: single nucleotide variant.
Coding change: c.739A>G on transcript NM_021096.4 (MANE Select); coding-DNA position 739, A replaced by G.
Protein change: p.Ile247Val; replaces isoleucine 247 with valine.
Molecular consequence: missense variant.
Genome position (GRCh38, 1-based): chr22:39,634,723, A>G. VCF-style: chr22-39634723-A-G. GRCh37 (hg19) VCF-style: chr22-40030728-A-G.
Other names: c.739A>G, p.Ile247Val (NM_001003406.2); short protein forms I247V.
Identifiers: ClinVar variation 2429399 (VCV002429399.3), dbSNP rs2518128573, ClinGen allele CA411633781.